The following is an entry in ClinVar:

ClinVar aggregate classification (germline): Pathogenic (1 of 4 stars; one submission).

Conditions:
Neurofibromatosis, type 1 (NF1). Also called: VON RECKLINGHAUSEN DISEASE; NEUROFIBROMATOSIS, TYPE I, SOMATIC; Peripheral type neurofibromatosis; Neurofibromatosis, type I. Identifiers: Orphanet 636, MedGen C0027831, MONDO:0018975, OMIM 162200. Disease mechanism: loss of function.

Submission:

Clinical Genetics Laboratory, University Hospital Schleswig-Holstein
Classification: Pathogenic for Neurofibromatosis, type 1. Last evaluated: 2025-06-13. Review status: criteria provided, single submitter. Criteria: ACMG Guidelines, 2015. Collection method: clinical testing. Allele origin: germline. Affected: yes. Observed: 1 heterozygote.
Comment: ACMG criteria applied: PM2, PVS1, PP4

NM_001042492.3(NF1):c.4331del (p.Lys1444fs)

Gene: NF1 (neurofibromin 1; plus strand). Cytogenetic location: 17q11.2.
Variant type: Deletion.
Coding change: c.4331del on transcript NM_001042492.3 (MANE Select); coding-DNA position 4331, one base deleted (A; older notation c.4331delA).
Protein change: p.Lys1444fs; shifts the reading frame from lysine 1444.
Molecular consequence: frameshift variant.
Genome position (GRCh38, 1-based): chr17:31,258,501, A deleted; the last of 3 consecutive A bases (chr17:31,258,499-31,258,501); deleting any one gives the same sequence. VCF-style (leftmost placement, unchanged base first): chr17-31258498-CA-C. GRCh37 (hg19) VCF-style: chr17-29585516-CA-C.
Other names: c.4268del, p.Lys1423fs (NM_000267.4); short protein forms K1423fs, K1444fs.
Identifiers: ClinVar variation 5042050 (VCV005042050.1).
Genomic context (GRCh38, chr17:31,258,498, plus strand): 5'-AAGCAGGGATTTTAGATAAAAAGCCACCACCTAGAATCGAAAGGGGCTTGAAGTTAATGT[CA>C]AAGGTGAATTATTTTGATAATCTAGCTATCTTAAATTCCCCTTCCAACTAAATTTTCAGC-3'